The following is an entry in ClinVar:

ClinVar aggregate classification (germline): Uncertain significance (1 of 4 stars; one submission).

Conditions:
Hereditary cancer-predisposing syndrome. Also called: Neoplastic Syndromes, Hereditary; Tumor predisposition; Hereditary neoplastic syndrome; Hereditary Cancer Syndrome. Identifiers: Orphanet 140162, MedGen C0027672, MeSH D009386, MONDO:0015356.

Submission:

Ambry Genetics
Classification: Uncertain significance for Hereditary cancer-predisposing syndrome. Last evaluated: 2026-07-02. Review status: criteria provided, single submitter. Criteria: Ambry Variant Classification Scheme 2023. Collection method: clinical testing. Allele origin: germline.
Comment: The p.R22L variant (also known as c.65G>T), located in coding exon 2 of the SDHD gene, results from a G to T substitution at nucleotide position 65. The arginine at codon 22 is replaced by leucine, an amino acid with dissimilar properties. This amino acid position is conserved. In addition, the in silico prediction for this alteration is inconclusive. Based on the available evidence, the clinical significance of this variant remains unclear.

NM_003002.4(SDHD):c.65G>T (p.Arg22Leu)

Gene: SDHD (succinate dehydrogenase complex subunit D; plus strand). Cytogenetic location: 11q23.1.
Variant type: single nucleotide variant.
Coding change: c.65G>T on transcript NM_003002.4 (MANE Select); coding-DNA position 65, G replaced by T.
Protein change: p.Arg22Leu; replaces arginine 22 with leucine.
Molecular consequence: missense variant. On other transcripts: non-coding transcript variant (1), intron variant (1).
Genome position (GRCh38, 1-based): chr11:112,087,869, G>T. VCF-style: chr11-112087869-G-T. GRCh37 (hg19) VCF-style: chr11-111958593-G-T.
Other names: c.65G>T, p.Arg22Leu (NM_001276503.2, NM_001276506.2); c.52+910G>T (NM_001276504.2); short protein forms R22L.
Identifiers: ClinVar variation 5029366 (VCV005029366.1).